The following is an entry in ClinVar:

NM_014014.5(SNRNP200):c.3757A>G (p.Thr1253Ala)

Gene: SNRNP200 (small nuclear ribonucleoprotein U5 subunit 200; minus strand). Cytogenetic location: 2q11.2.
Variant type: single nucleotide variant.
Coding change: c.3757A>G on transcript NM_014014.5 (MANE Select); coding-DNA position 3757, A replaced by G.
Protein change: p.Thr1253Ala; replaces threonine 1253 with alanine.
Molecular consequence: missense variant.
Genome position (GRCh38, 1-based): chr2:96,286,760, T>C on the plus strand (A>G on the coding strand, the complement: SNRNP200 is on the minus strand). VCF-style: chr2-96286760-T-C. GRCh37 (hg19) VCF-style: chr2-96952498-T-C.
Other names: short protein forms T1253A.
Identifiers: ClinVar variation 2413269 (VCV002413269.6), dbSNP rs531287899, ClinGen allele CA1778386.

ClinVar aggregate classification (germline): Uncertain significance (1 of 4 stars; one submission).

Allele frequency attached by ClinVar (database versions not stated): gnomAD exomes below 0.00001; ExAC 0.00001; gnomAD 0.00001; TOPMed 0.00001; 1000 Genomes Project 30x 0.00016; 1000 Genomes Project 0.00020.
gnomAD v4.1: 4 of 1,614,120 alleles (0.00025%); highest among the groups gnomAD compares: East Asian, 0.0089%; no homozygotes.

Submission:

Labcorp Genetics (formerly Invitae), Labcorp
Classification: Uncertain significance. Last evaluated: 2024-06-30. Review status: criteria provided, single submitter. Criteria: Invitae Variant Classification Sherloc (09022015). Collection method: clinical testing. Allele origin: germline.
Comment: This sequence change replaces threonine, which is neutral and polar, with alanine, which is neutral and non-polar, at codon 1253 of the SNRNP200 protein (p.Thr1253Ala). This variant is present in population databases (rs531287899, gnomAD 0.02%). This variant has not been reported in the literature in individuals affected with SNRNP200-related conditions. ClinVar contains an entry for this variant (Variation ID: 2413269). Advanced modeling of protein sequence and biophysical properties (such as structural, functional, and spatial information, amino acid conservation, physicochemical variation, residue mobility, and thermodynamic stability) performed at Invitae indicates that this missense variant is not expected to disrupt SNRNP200 protein function with a negative predictive value of 80%. In summary, the available evidence is currently insufficient to determine the role of this variant in disease. Therefore, it has been classified as a Variant of Uncertain Significance.